The following is an entry in ClinVar:

NM_001036.6(RYR3):c.9625G>A (p.Asp3209Asn)

Gene: RYR3 (ryanodine receptor 3; plus strand). Cytogenetic location: 15q14.
Variant type: single nucleotide variant.
Coding change: c.9625G>A on transcript NM_001036.6 (MANE Select); coding-DNA position 9625, G replaced by A.
Protein change: p.Asp3209Asn; replaces aspartic acid 3209 with asparagine.
Molecular consequence: missense variant.
Genome position (GRCh38, 1-based): chr15:33,788,253, G>A. VCF-style: chr15-33788253-G-A. GRCh37 (hg19) VCF-style: chr15-34080454-G-A.
Other names: c.9625G>A, p.Asp3209Asn (NM_001243996.4); short protein forms D3209N.
Identifiers: ClinVar variation 531050 (VCV000531050.12), dbSNP rs536504096, ClinGen allele CA7460575.
Genomic context (GRCh38, chr15:33,788,253, plus strand): 5'-ACGGGGAGGCTCTTTGTAAACGCAGTGTATGCACAGCCCATCATCAGCAAAGCCAGGCCC[G>A]ACCTGCTGAGAAGCCACTTCATCCCAACTCTGGAGAAGCTGAAGAAAAAGGCTGTCAAGA-3'
Protein context (NP_001027.3, residues 3199-3219): AQPIISKARP[Asp3209Asn]LLRSHFIPTL

ClinVar aggregate classification (germline): Uncertain significance (1 of 4 stars; one submission).

Conditions:
Epileptic encephalopathy. Identifiers: MedGen C0543888, HP:0200134.

Allele frequency attached by ClinVar (database versions not stated): ExAC 0.00003; gnomAD exomes 0.00001; TOPMed 0.00003; 1000 Genomes Project 30x 0.00016; 1000 Genomes Project 0.00020; gnomAD 0.00004.
gnomAD v4.1: 18 of 1,613,944 alleles (0.0011%); highest among the groups gnomAD compares: East Asian, 0.011%; no homozygotes.

Submission:

Labcorp Genetics (formerly Invitae), Labcorp
Classification: Uncertain significance for Epileptic encephalopathy. Last evaluated: 2022-08-31. Review status: criteria provided, single submitter. Criteria: Invitae Variant Classification Sherloc (09022015). Collection method: clinical testing. Allele origin: germline.
Comment: In summary, the available evidence is currently insufficient to determine the role of this variant in disease. Therefore, it has been classified as a Variant of Uncertain Significance. Algorithms developed to predict the effect of missense changes on protein structure and function (SIFT, PolyPhen-2, Align-GVGD) all suggest that this variant is likely to be tolerated. ClinVar contains an entry for this variant (Variation ID: 531050). This variant has not been reported in the literature in individuals affected with RYR3-related conditions. This variant is present in population databases (rs536504096, gnomAD 0.008%). This sequence change replaces aspartic acid, which is acidic and polar, with asparagine, which is neutral and polar, at codon 3209 of the RYR3 protein (p.Asp3209Asn).